The following is an entry in ClinVar:

ClinVar aggregate classification (germline): Uncertain significance (1 of 4 stars; one submission).

Conditions:
Cardiovascular phenotype. Identifiers: MedGen CN230736.

Submission:

Ambry Genetics
Classification: Uncertain significance for Cardiovascular phenotype. Last evaluated: 2022-11-19. Review status: criteria provided, single submitter. Criteria: Ambry Variant Classification Scheme 2023. Collection method: clinical testing. Allele origin: germline.
Comment: The p.T320I variant (also known as c.959C>T), located in coding exon 3 of the PKP2 gene, results from a C to T substitution at nucleotide position 959. The threonine at codon 320 is replaced by isoleucine, an amino acid with similar properties. This amino acid position is conserved. In addition, the in silico prediction for this alteration is inconclusive. Since supporting evidence is limited at this time, the clinical significance of this alteration remains unclear.

NM_001005242.3(PKP2):c.959C>T (p.Thr320Ile)

Gene: PKP2 (plakophilin 2; minus strand). Cytogenetic location: 12p11.21.
Variant type: single nucleotide variant.
Coding change: c.959C>T on transcript NM_001005242.3 (MANE Select); coding-DNA position 959, C replaced by T.
Protein change: p.Thr320Ile; replaces threonine 320 with isoleucine.
Molecular consequence: missense variant.
Genome position (GRCh38, 1-based): chr12:32,877,921, G>A on the plus strand (C>T on the coding strand, the complement: PKP2 is on the minus strand). VCF-style: chr12-32877921-G-A. GRCh37 (hg19) VCF-style: chr12-33030855-G-A.
Other names: c.959C>T, p.Thr320Ile (NM_001407155.1, NM_001407156.1, NM_001407157.1 and 2 more transcripts); c.632C>T, p.Thr211Ile (NM_001407158.1, NM_001407159.1, NM_001407160.1 and 1 more transcripts); short protein forms T211I, T320I.
Identifiers: ClinVar variation 2449719 (VCV002449719.2), dbSNP rs2541338493, ClinGen allele CA384361917.